The following is an entry in ClinVar:

ClinVar aggregate classification (germline): Uncertain significance (1 of 4 stars; one submission).

gnomAD v4.1: 18 of 1,603,938 alleles (0.0011%); highest among the groups gnomAD compares: Non-Finnish European, 0.0014%; no homozygotes.

Submission:

Ambry Genetics
Classification: Uncertain significance. Last evaluated: 2025-12-30. Review status: criteria provided, single submitter. Criteria: Ambry Variant Classification Scheme 2023. Collection method: clinical testing. Allele origin: germline.
Comment: The c.2672G>A (p.R891H) alteration is located in exon 19 (coding exon 18) of the KDM4A gene. This alteration results from a G to A substitution at nucleotide position 2672, causing the arginine (R) at amino acid position 891 to be replaced by a histidine (H). Based on data from gnomAD, the A allele has an overall frequency of <0.001% (1/244184) total alleles studied. The highest observed frequency was 0.006% (1/16014) of African alleles. Based on insufficient or conflicting evidence, the clinical significance of this alteration remains unclear.

NM_014663.3(KDM4A):c.2672G>A (p.Arg891His)

Gene: KDM4A (lysine demethylase 4A; plus strand). Cytogenetic location: 1p34.2.
Variant type: single nucleotide variant.
Coding change: c.2672G>A on transcript NM_014663.3 (MANE Select); coding-DNA position 2672, G replaced by A.
Protein change: p.Arg891His; replaces arginine 891 with histidine.
Molecular consequence: missense variant.
Genome position (GRCh38, 1-based): chr1:43,697,844, G>A. VCF-style: chr1-43697844-G-A. GRCh37 (hg19) VCF-style: chr1-44163515-G-A.
Other names: short protein forms R891H.
Identifiers: ClinVar variation 4838838 (VCV004838838.1).